The following is an entry in ClinVar:

NM_001378454.1(ALMS1):c.75_80del (p.Glu27_Glu28del)

Gene: ALMS1 (ALMS1 centrosome and basal body associated protein; plus strand). Cytogenetic location: 2p13.1.
Variant type: Deletion.
Coding change: c.75_80del on transcript NM_001378454.1 (MANE Select); coding-DNA positions 75 to 80, 6 bases deleted (AGAGGA; older notation c.75_80delAGAGGA).
Protein change: p.Glu27_Glu28del.
Molecular consequence: inframe deletion.
Genome position (GRCh38, 1-based): chr2:73,385,943-73,385,948, AGAGGA deleted; deleting any 6 consecutive bases within chr2:73,385,938-73,385,948 gives the same sequence; the c. name uses the placement nearest the transcript's 3' end. VCF-style (leftmost placement, unchanged base first): chr2-73385937-GGAGGAA-G. GRCh37 (hg19) VCF-style: chr2-73613065-GGAGGAA-G.
Other names: c.78_83del, p.Glu28_Glu29del (NM_015120.4); c.78_83delAGAGGA (NM_015120.4); c.72_77delGGAAGA (NM_015120.4).
Identifiers: ClinVar variation 402364 (VCV000402364.12), dbSNP rs754175473, ClinGen allele CA1712730.

ClinVar aggregate classification (germline): Conflicting classifications of pathogenicity. Review status: criteria provided, conflicting classifications (1 of 4 stars). 4 submissions from 4 submitters: Uncertain significance (1); Benign (2); Likely benign (1). Last evaluated 2025-11-12.

Conditions:
Cardiovascular phenotype. Identifiers: MedGen CN230736.
Alstrom syndrome (ALMS). Identifiers: Orphanet 64, MedGen C0268425, MONDO:0008763, OMIM 203800.

Submissions (4):

Ambry Genetics
Classification: Benign for Cardiovascular phenotype. Last evaluated: 2025-11-12. Review status: criteria provided, single submitter. Criteria: Ambry Variant Classification Scheme 2023. Collection method: clinical testing. Allele origin: germline.

Labcorp Genetics (formerly Invitae), Labcorp
Classification: Likely benign for Alstrom syndrome. Last evaluated: 2025-10-11. Review status: criteria provided, single submitter. Criteria: Invitae Variant Classification Sherloc (09022015). Collection method: clinical testing. Allele origin: germline.

Women's Health and Genetics/Laboratory Corporation of America, LabCorp
Classification: Uncertain significance. Last evaluated: 2020-03-30. Review status: criteria provided, single submitter. Criteria: LabCorp Variant Classification Summary - May 2015. Collection method: clinical testing. Allele origin: germline.
Comment: Variant summary: ALMS1 c.75_80delAGAGGA (p.Glu27_Glu28del) results in an in-frame deletion that is predicted to remove two amino acids from the encoded protein. The variant was absent in 127964 control chromosomes. The available data on variant occurrences in the general population are insufficient to allow any conclusion about variant significance. To our knowledge, no occurrence of c.75_80delAGAGGA in individuals affected with Cardiomyopathy and no experimental evidence demonstrating its impact on protein function have been reported. One clinical diagnostic laboratory has submitted clinical-significance assessments for this variant to ClinVar after 2014 without evidence for independent evaluation. One laboratory classified the variant as benign. Based on the evidence outlined above, the variant was classified as uncertain significance.

Laboratory for Molecular Medicine, Mass General Brigham Personalized Medicine
Classification: Benign. Last evaluated: 2016-03-29. Review status: criteria provided, single submitter. Criteria: LMM Criteria. Collection method: clinical testing. Allele origin: germline.
Comment: Variant identified in a genome or exome case(s) and assessed due to predicted null impact of the variant or pathogenic assertions in the literature or databases. Disclaimer: This variant has not undergone full assessment. The following are preliminary notes: Frequency